The following is an entry in ClinVar:

NM_002633.3(PGM1):c.1600-518C>T

Gene: PGM1 (phosphoglucomutase 1; plus strand). Cytogenetic location: 1p31.3.
Variant type: single nucleotide variant.
Coding change: c.1600-518C>T on transcript NM_002633.3 (MANE Select); 518 bases into the intron before coding-DNA position 1600, C replaced by T.
Molecular consequence: intron variant.
Genome position (GRCh38, 1-based): chr1:63,659,068, C>T. VCF-style: chr1-63659068-C-T. GRCh37 (hg19) VCF-style: chr1-64124739-C-T.
Other names: p.?; c.1009-518C>T (NM_001172819.2); c.1654-518C>T (NM_001172818.1).
Identifiers: ClinVar variation 381866 (VCV000381866.3), dbSNP rs143470567, ClinGen allele CA16603735.

ClinVar aggregate classification (germline): Benign/Likely benign. Review status: criteria provided, multiple submitters, no conflicts (2 of 4 stars). 3 submissions from 3 submitters: Benign (1); Likely benign (2). Last evaluated 2025-01-20.

Allele frequency attached by ClinVar (database versions not stated): TOPMed 0.00965; gnomAD 0.00991 and 0.01051; 1000 Genomes Project 0.01218; 1000 Genomes Project 30x 0.01249.
gnomAD v4.1: 1,605 of 152,278 alleles (1.1%); highest among the groups gnomAD compares: South Asian, 3.1%; 14 homozygotes.

Submissions (3):

Mayo Clinic Laboratories, Mayo Clinic
Classification: Benign. Last evaluated: 2025-01-20. Review status: criteria provided, single submitter. Criteria: ACMG Guidelines, 2015. Collection method: clinical testing. Allele origin: germline. Observed: 9 variant alleles.
Comment: BA1

Blueprint Genetics
Classification: Likely benign. Last evaluated: 2022-07-26. Review status: criteria provided, single submitter. Criteria: ACMG Guidelines, 2015. Collection method: clinical testing. Allele origin: germline.

GeneDx
Classification: Likely benign. Last evaluated: 2018-02-16. Review status: criteria provided, single submitter. Criteria: GeneDx Variant Classification (06012015). Collection method: clinical testing. Allele origin: germline. Affected: yes.
Comment: This variant is considered likely benign or benign based on one or more of the following criteria: it is a conservative change, it occurs at a poorly conserved position in the protein, it is predicted to be benign by multiple in silico algorithms, and/or has population frequency not consistent with disease.